The following is an entry in ClinVar:

ClinVar aggregate classification (germline): Likely benign (1 of 4 stars; one submission).

Submission:

CeGaT Center for Human Genetics Tuebingen
Classification: Likely benign. Last evaluated: 2026-09-01. Review status: criteria provided, single submitter. Criteria: CeGaT Center For Human Genetics Tuebingen Variant Classification Criteria Version 2. Collection method: clinical testing. Allele origin: germline. Affected: yes. Observed: 1 variant allele.
Comment: RYR2: PM2:Supporting, BP4, BP7

NM_001035.3(RYR2):c.10200T>G (p.Ala3400=)

Gene: RYR2 (ryanodine receptor 2; plus strand). Cytogenetic location: 1q43.
Variant type: single nucleotide variant.
Coding change: c.10200T>G on transcript NM_001035.3 (MANE Select); coding-DNA position 10200, T replaced by G.
Protein change: p.Ala3400=; no amino-acid change (alanine 3400 retained).
Molecular consequence: synonymous variant.
Genome position (GRCh38, 1-based): chr1:237,709,537, T>G. VCF-style: chr1-237709537-T-G. GRCh37 (hg19) VCF-style: chr1-237872837-T-G.
Identifiers: ClinVar variation 5041586 (VCV005041586.1).